The following is an entry in ClinVar:

ClinVar aggregate classification (germline): Pathogenic (1 of 4 stars; one submission).

Conditions:
Isovaleryl-CoA dehydrogenase deficiency (IVA). Also called: ISOVALERIC ACID CoA DEHYDROGENASE DEFICIENCY; Isovaleric acidemia; Classic Isovaleric Acidemia; IVD DEFICIENCY. Identifiers: Orphanet 33, MedGen C0268575, MONDO:0009475, OMIM 243500.

Submission:

Labcorp Genetics (formerly Invitae), Labcorp
Classification: Pathogenic for Isovaleryl-CoA dehydrogenase deficiency. Last evaluated: 2019-01-18. Review status: criteria provided, single submitter. Criteria: Invitae Variant Classification Sherloc (09022015). Collection method: clinical testing. Allele origin: germline.
Comment: This variant has not been reported in the literature in individuals with IVD-related conditions. This sequence change creates a premature translational stop signal (p.Pro294Leufs*18) in the IVD gene. It is expected to result in an absent or disrupted protein product. This variant is not present in population databases (ExAC no frequency). Loss-of-function variants in IVD are known to be pathogenic (PMID: 16602101). For these reasons, this variant has been classified as Pathogenic.

Literature cited by the submitters: PubMed 16602101.

NM_002225.5(IVD):c.870del (p.Pro291fs)

Gene: IVD (isovaleryl-CoA dehydrogenase; plus strand). Cytogenetic location: 15q15.1.
Variant type: Deletion.
Coding change: c.870del on transcript NM_002225.5 (MANE Select); coding-DNA position 870, one base deleted (G; older notation c.870delG).
Protein change: p.Pro291fs; shifts the reading frame from proline 291.
Molecular consequence: frameshift variant. On other transcripts: non-coding transcript variant (1).
Genome position (GRCh38, 1-based): chr15:40,414,974, G deleted; the last of 6 consecutive G bases (chr15:40,414,969-40,414,974); deleting any one gives the same sequence. VCF-style (leftmost placement, unchanged base first): chr15-40414968-CG-C. GRCh37 (hg19) VCF-style: chr15-40707167-CG-C.
Other names: c.780del, p.Pro261fs (NM_001159508.3); c.822del, p.Pro275fs (NM_001354597.3); c.870del, p.Pro291fs (NM_001354598.3, NM_001354601.3); c.957del, p.Pro320fs (NM_001354599.3, NM_001354600.3); short protein forms P320fs, P261fs, P291fs, P275fs.
Identifiers: ClinVar variation 854919 (VCV000854919.7), dbSNP rs759159766, ClinGen allele CA617233430.